The following is an entry in ClinVar:

NM_000481.4(AMT):c.825T>A (p.Asn275Lys)

Gene: AMT (aminomethyltransferase; minus strand). Cytogenetic location: 3p21.31.
Variant type: single nucleotide variant.
Coding change: c.825T>A on transcript NM_000481.4 (MANE Select); coding-DNA position 825, T replaced by A.
Protein change: p.Asn275Lys; replaces asparagine 275 with lysine.
Molecular consequence: missense variant. On other transcripts: non-coding transcript variant (1).
Genome position (GRCh38, 1-based): chr3:49,419,023, A>T on the plus strand (T>A on the coding strand, the complement: AMT is on the minus strand). VCF-style: chr3-49419023-A-T. GRCh37 (hg19) VCF-style: chr3-49456456-A-T.
Other names: p.Asn275Lys; c.693T>A, p.Asn231Lys (NM_001164710.2); c.657T>A, p.Asn219Lys (NM_001164711.2); c.825T>A, p.Asn275Lys (NM_001164712.2); short protein forms N275K, N219K, N231K.
Identifiers: ClinVar variation 346031 (VCV000346031.18), dbSNP rs144241950, ClinGen allele CA2398230.

ClinVar aggregate classification (germline): Conflicting classifications of pathogenicity. Review status: criteria provided, conflicting classifications (1 of 4 stars). 9 submissions from 9 submitters: Uncertain significance (6); Likely benign (2). 1 of the submissions does not count toward it. Last evaluated 2026-04-09.

Conditions:
Inborn genetic diseases. Identifiers: MedGen C0950123, MeSH D030342.
Glycine encephalopathy. Also called: Non-ketotic hyperglycinemia; Nonketotic hyperglycinemia. Identifiers: Orphanet 407, MedGen C0751748, MONDO:0011612, HP:0008288.
Glycine encephalopathy 2 (GCE2). Identifiers: MedGen C5830559, MONDO:0958192, OMIM 620398.

Allele frequency attached by ClinVar (database versions not stated): gnomAD 0.00027 and 0.00031; ExAC 0.00031; gnomAD exomes 0.00033 and 0.00050; TOPMed 0.00036; ESP Exome Variant Server 0.00038.
gnomAD v4.1: 767 of 1,613,788 alleles (0.048%); highest among the groups gnomAD compares: Non-Finnish European, 0.06%; 1 homozygote.

Submissions (9):

Centre for Medical Genetics,  Mumbai
Classification: Likely benign for Glycine encephalopathy 2. Last evaluated: 2026-04-09. Review status: criteria provided, single submitter. Criteria: ACMG Guidelines, 2015. Collection method: provider interpretation. Allele origin: germline. Inheritance: Autosomal recessive inheritance. Affected: no. Observed: 1 variant allele, 1 homozygote.
Comment: The variant satisfies PP2 criteria - missense variant in a gene with low rate of benign missense mutations and for which missense mutation is a common mechanism of a disease. The variant satisfies BS2 criteria - variant was observed in a homozygous state in population databases more than expected for disease. However, the variant satisfies BS2 criteria - present in homozygous state in an individual that clinically does not have Glycine encephalopathy 2.

Labcorp Genetics (formerly Invitae), Labcorp
Classification: Likely benign for Glycine encephalopathy. Last evaluated: 2026-01-28. Review status: criteria provided, single submitter. Criteria: Invitae Variant Classification Sherloc (09022015). Collection method: clinical testing. Allele origin: germline.

Ambry Genetics
Classification: Uncertain significance for Inborn genetic diseases. Last evaluated: 2025-11-19. Review status: criteria provided, single submitter. Criteria: Ambry Variant Classification Scheme 2023. Collection method: clinical testing. Allele origin: germline.
Comment: The c.825T>A (p.N275K) alteration is located in exon 7 (coding exon 7) of the AMT gene. This alteration results from a T to A substitution at nucleotide position 825, causing the asparagine (N) at amino acid position 275 to be replaced by a lysine (K). Based on data from gnomAD, the A allele has an overall frequency of 0.034% (95/282700) total alleles studied. The highest observed frequency was 0.063% (81/129056) of European (non-Finnish) alleles. Based on insufficient or conflicting evidence, the clinical significance of this alteration remains unclear.

Mayo Clinic Laboratories, Mayo Clinic
Classification: Uncertain significance. Last evaluated: 2025-06-18. Review status: criteria provided, single submitter. Criteria: ACMG Guidelines, 2015. Collection method: clinical testing. Allele origin: germline. Observed: 1 variant allele.
Comment: PM2_supporting

Blueprint Genetics
Classification: Uncertain significance. Last evaluated: 2024-11-18. Review status: criteria provided, single submitter. Criteria: ACMG Guidelines, 2015. Collection method: clinical testing. Allele origin: germline.

Women's Health and Genetics/Laboratory Corporation of America, LabCorp
Classification: Uncertain significance. Last evaluated: 2024-07-02. Review status: criteria provided, single submitter. Criteria: LabCorp Variant Classification Summary - May 2015. Collection method: clinical testing. Allele origin: germline.
Comment: Variant summary: AMT c.825T>A (p.Asn275Lys) results in a non-conservative amino acid change located in the Aminomethyltransferase, folate-binding domain (IPR006222) of the encoded protein sequence. Four of five in-silico tools predict a damaging effect of the variant on protein function. The variant allele was found at a frequency of 0.00033 in 251364 control chromosomes. This frequency is not significantly higher than estimated for a pathogenic variant in AMT causing Glycine Encephalopathy (Non-Ketotic Hyperglycinemia) (0.00033 vs 0.0014), allowing no conclusion about variant significance. To our knowledge, no occurrence of c.825T>A in individuals affected with Glycine Encephalopathy (Non-Ketotic Hyperglycinemia) and no experimental evidence demonstrating its impact on protein function have been reported. The following publication reporting a non-ascertainable evidence has been cited in the context of this evaluation (PMID: 22171071). ClinVar contains an entry for this variant (Variation ID: 346031). Based on the evidence outlined above, the variant was classified as uncertain significance.

Fulgent Genetics
Classification: Uncertain significance for Glycine encephalopathy 1. Last evaluated: 2022-02-10. Review status: criteria provided, single submitter. Criteria: ACMG Guidelines, 2015. Collection method: clinical testing. Allele origin: unknown.

Illumina Laboratory Services, Illumina
Classification: Uncertain significance for Glycine encephalopathy 1. Last evaluated: 2018-01-12. Review status: criteria provided, single submitter. Criteria: ICSL Variant Classification Criteria 13 December 2019. Collection method: clinical testing. Allele origin: germline.

Natera, Inc.
Classification: Uncertain significance for Non-ketotic hyperglycinemia. Last evaluated: 2020-01-16. Review status: no assertion criteria provided. Collection method: clinical testing. Allele origin: germline. Not counted in ClinVar's aggregate classification.

Literature cited by the submitters: PubMed 8005589 (cited by Centre for Medical Genetics,  Mumbai); PubMed 22171071 (cited by Women's Health and Genetics/Laboratory Corporation of America, LabCorp).